The following is an entry in ClinVar:

ClinVar aggregate classification (germline): Uncertain significance (1 of 4 stars; one submission).

Submission:

Labcorp Genetics (formerly Invitae), Labcorp
Classification: Uncertain significance. Last evaluated: 2022-07-19. Review status: criteria provided, single submitter. Criteria: Invitae Variant Classification Sherloc (09022015). Collection method: clinical testing. Allele origin: germline.
Comment: In summary, the available evidence is currently insufficient to determine the role of this variant in disease. Therefore, it has been classified as a Variant of Uncertain Significance. Variants that disrupt the consensus splice site are a relatively common cause of aberrant splicing (PMID: 17576681, 9536098). Algorithms developed to predict the effect of sequence changes on RNA splicing suggest that this variant is not likely to affect RNA splicing. ClinVar contains an entry for this variant (Variation ID: 953091). This variant has not been reported in the literature in individuals affected with CYP4V2-related conditions. The frequency data for this variant in the population databases is considered unreliable, as metrics indicate poor data quality at this position in the gnomAD database. This sequence change falls in intron 7 of the CYP4V2 gene. It does not directly change the encoded amino acid sequence of the CYP4V2 protein. It affects a nucleotide within the consensus splice site.

Literature cited by the submitters: PubMed 17576681; PubMed 9536098.

NM_207352.4(CYP4V2):c.987+5_987+9del

Gene: CYP4V2 (cytochrome P450 family 4 subfamily V member 2; plus strand). Cytogenetic location: 4q35.2.
Variant type: Deletion.
Coding change: c.987+5_987+9del on transcript NM_207352.4 (MANE Select); bases 5 to 9 of the intron after coding-DNA position 987, 5 bases deleted (TGTAT; older notation c.987+5_987+9delTGTAT).
Molecular consequence: splice donor variant.
Genome position (GRCh38, 1-based): chr4:186,201,347-186,201,351, TGTAT deleted; deleting any 5 consecutive bases within chr4:186,201,343-186,201,351 gives the same sequence; the c. name uses the placement nearest the transcript's 3' end. VCF-style (leftmost placement, unchanged base first): chr4-186201342-GGTATT-G. GRCh37 (hg19) VCF-style: chr4-187122496-GGTATT-G.
Identifiers: ClinVar variation 953091 (VCV000953091.5), dbSNP rs750215488, ClinGen allele CA3162703.